The following is an entry in ClinVar:

NM_006734.4(HIVEP2):c.1153C>T (p.Leu385Phe)

Gene: HIVEP2 (HIVEP zinc finger 2; minus strand). Cytogenetic location: 6q24.2.
Variant type: single nucleotide variant.
Coding change: c.1153C>T on transcript NM_006734.4 (MANE Select); coding-DNA position 1153, C replaced by T.
Protein change: p.Leu385Phe; replaces leucine 385 with phenylalanine.
Molecular consequence: missense variant.
Genome position (GRCh38, 1-based): chr6:142,773,586, G>A on the plus strand (C>T on the coding strand, the complement: HIVEP2 is on the minus strand). VCF-style: chr6-142773586-G-A. GRCh37 (hg19) VCF-style: chr6-143094723-G-A.
Other names: short protein forms L385F.
Identifiers: ClinVar variation 1690681 (VCV001690681.4), dbSNP rs1293156582, ClinGen allele CA365914466.

ClinVar aggregate classification (germline): Uncertain significance. Review status: criteria provided, multiple submitters, no conflicts (2 of 4 stars). 2 submissions from 2 submitters: Uncertain significance (2). Last evaluated 2024-08-27.

Allele frequency attached by ClinVar (database versions not stated): gnomAD exomes below 0.00001; TOPMed 0.00001.
gnomAD v4.1: 4 of 1,614,226 alleles (0.00025%); highest among the groups gnomAD compares: Non-Finnish European, 0.00034%; no homozygotes.

Submissions (2):

Labcorp Genetics (formerly Invitae), Labcorp
Classification: Uncertain significance. Last evaluated: 2024-08-27. Review status: criteria provided, single submitter. Criteria: Invitae Variant Classification Sherloc (09022015). Collection method: clinical testing. Allele origin: germline.
Comment: This sequence change replaces leucine, which is neutral and non-polar, with phenylalanine, which is neutral and non-polar, at codon 385 of the HIVEP2 protein (p.Leu385Phe). This variant is present in population databases (no rsID available, gnomAD 0.0009%). This variant has not been reported in the literature in individuals affected with HIVEP2-related conditions. ClinVar contains an entry for this variant (Variation ID: 1690681). An algorithm developed to predict the effect of missense changes on protein structure and function (PolyPhen-2) suggests that this variant is likely to be disruptive. In summary, the available evidence is currently insufficient to determine the role of this variant in disease. Therefore, it has been classified as a Variant of Uncertain Significance.

Laboratorio de Genetica e Diagnostico Molecular, Hospital Israelita Albert Einstein
Classification: Uncertain significance. Last evaluated: 2019-03-18. Review status: criteria provided, single submitter. Criteria: ACMG Guidelines, 2015. Collection method: clinical testing. Allele origin: germline. Affected: yes.
Comment: ACMG classification criteria: PM2